The following is an entry in ClinVar:

NM_000264.5(PTCH1):c.1284C>A (p.Asp428Glu)

Gene: PTCH1 (patched 1; minus strand). Cytogenetic location: 9q22.32.
Variant type: single nucleotide variant.
Coding change: c.1284C>A on transcript NM_000264.5 (MANE Select); coding-DNA position 1284, C replaced by A.
Protein change: p.Asp428Glu; replaces aspartic acid 428 with glutamic acid.
Molecular consequence: missense variant. On other transcripts: non-coding transcript variant (1).
Genome position (GRCh38, 1-based): chr9:95,478,118, G>T on the plus strand (C>A on the coding strand, the complement: PTCH1 is on the minus strand). VCF-style: chr9-95478118-G-T. GRCh37 (hg19) VCF-style: chr9-98240400-G-T.
Other names: c.1086C>A, p.Asp362Glu (NM_001083602.3); c.1281C>A, p.Asp427Glu (NM_001083603.3); c.831C>A, p.Asp277Glu (NM_001083604.3, NM_001083605.3, NM_001083606.3 and 1 more transcripts); c.1284C>A, p.Asp428Glu (NM_001354918.2); short protein forms D427E, D428E, D277E, D362E.
Identifiers: ClinVar variation 2564413 (VCV002564413.2), dbSNP rs1164371538, ClinGen allele CA374118832.
Genomic context (GRCh38, chr9:95,478,118, plus strand): 5'-GAGTAAGTAGCCGCTGGCCACGCGGATGACACTGACGTCAGAGAAGGATTTCAGGATGTC[G>T]TCCAGGGTCGTGGTGGTGAAGGAAAGCACCTTTTGAGTGGAGTTCTGTGCGACACTCTGA-3'
Protein context (NP_000255.2, residues 418-438): KVLSFTTTTL[Asp428Glu]DILKSFSDVS

ClinVar aggregate classification (germline): Uncertain significance (1 of 4 stars; one submission).

Conditions:
Hereditary cancer-predisposing syndrome. Also called: Neoplastic Syndromes, Hereditary; Hereditary Cancer Syndrome; Hereditary neoplastic syndrome; Tumor predisposition. Identifiers: Orphanet 140162, MedGen C0027672, MeSH D009386, MONDO:0015356.

Submission:

Ambry Genetics
Classification: Uncertain significance for Hereditary cancer-predisposing syndrome. Last evaluated: 2023-06-10. Review status: criteria provided, single submitter. Criteria: Ambry Variant Classification Scheme 2023. Collection method: clinical testing. Allele origin: germline.
Comment: The p.D428E variant (also known as c.1284C>A), located in coding exon 9 of the PTCH1 gene, results from a C to A substitution at nucleotide position 1284. The aspartic acid at codon 428 is replaced by glutamic acid, an amino acid with highly similar properties. This amino acid position is conserved. In addition, this alteration is predicted to be tolerated by in silico analysis. Since supporting evidence is limited at this time, the clinical significance of this alteration remains unclear.